The following is an entry in ClinVar:

NM_203447.4(DOCK8):c.5101G>C (p.Glu1701Gln)

Gene: DOCK8 (dedicator of cytokinesis 8; plus strand). Cytogenetic location: 9p24.3.
Variant type: single nucleotide variant.
Coding change: c.5101G>C on transcript NM_203447.4 (MANE Select); coding-DNA position 5101, G replaced by C.
Protein change: p.Glu1701Gln; replaces glutamic acid 1701 with glutamine.
Molecular consequence: missense variant.
Genome position (GRCh38, 1-based): chr9:439,266, G>C. VCF-style: chr9-439266-G-C. GRCh37 (hg19) VCF-style: chr9-439266-G-C.
Other names: c.4801G>C, p.Glu1601Gln (NM_001190458.2); c.4897G>C, p.Glu1633Gln (NM_001193536.2); short protein forms E1601Q, E1633Q, E1701Q.
Identifiers: ClinVar variation 3643624 (VCV003643624.2).
Genomic context (GRCh38, chr9:439,266, plus strand): 5'-TCGCCCTGTTCTCCAGGCTTATACTGTGGTCTCTTTCAGAATATTTCTTCCAATGTGCTG[G>C]AGGAGTCTGTGGTCTCTGAGGACACCCTGTCACCTGACGAGGATGGGGTGTGCGCAGGCC-3'
Protein context (NP_982272.2, residues 1691-1711): SFQNISSNVL[Glu1701Gln]ESVVSEDTLS

ClinVar aggregate classification (germline): Uncertain significance (1 of 4 stars; one submission).

Conditions:
Combined immunodeficiency due to DOCK8 deficiency (HIES2). Also called: HIES autosomal recessive; Hyper-IgE recurrent infection syndrome, autosomal recessive; HYPER-IgE RECURRENT INFECTION SYNDROME 2, AUTOSOMAL RECESSIVE; DOCK8 Deficiency; HYPER-IgE SYNDROME 2, AUTOSOMAL RECESSIVE, WITH RECURRENT INFECTIONS. Identifiers: Orphanet 217390, MedGen C4722305, MONDO:0009478, OMIM 243700.

Submission:

Labcorp Genetics (formerly Invitae), Labcorp
Classification: Uncertain significance for Combined immunodeficiency due to DOCK8 deficiency. Last evaluated: 2024-02-28. Review status: criteria provided, single submitter. Criteria: Invitae Variant Classification Sherloc (09022015). Collection method: clinical testing. Allele origin: germline.
Comment: This sequence change replaces glutamic acid, which is acidic and polar, with glutamine, which is neutral and polar, at codon 1701 of the DOCK8 protein (p.Glu1701Gln). This variant is not present in population databases (gnomAD no frequency). This variant has not been reported in the literature in individuals affected with DOCK8-related conditions. Advanced modeling of protein sequence and biophysical properties (such as structural, functional, and spatial information, amino acid conservation, physicochemical variation, residue mobility, and thermodynamic stability) has been performed at Invitae for this missense variant, however the output from this modeling did not meet the statistical confidence thresholds required to predict the impact of this variant on DOCK8 protein function. Algorithms developed to predict the effect of sequence changes on RNA splicing suggest that this variant may create or strengthen a splice site. In summary, the available evidence is currently insufficient to determine the role of this variant in disease. Therefore, it has been classified as a Variant of Uncertain Significance.